The following is an entry in ClinVar:

ClinVar aggregate classification (germline): Uncertain significance (1 of 4 stars; one submission).

Submission:

Labcorp Genetics (formerly Invitae), Labcorp
Classification: Uncertain significance. Last evaluated: 2022-04-25. Review status: criteria provided, single submitter. Criteria: Invitae Variant Classification Sherloc (09022015). Collection method: clinical testing. Allele origin: germline.
Comment: This sequence change replaces alanine, which is neutral and non-polar, with threonine, which is neutral and polar, at codon 273 of the RNASEH1 protein (p.Ala273Thr). This variant is not present in population databases (gnomAD no frequency). This variant has not been reported in the literature in individuals affected with RNASEH1-related conditions. In summary, the available evidence is currently insufficient to determine the role of this variant in disease. Therefore, it has been classified as a Variant of Uncertain Significance. Algorithms developed to predict the effect of missense changes on protein structure and function are either unavailable or do not agree on the potential impact of this missense change (SIFT: "Deleterious"; PolyPhen-2: "Probably Damaging"; Align-GVGD: "Class C0").

NM_002936.6(RNASEH1):c.817G>A (p.Ala273Thr)

Gene: RNASEH1 (ribonuclease H1; minus strand). Cytogenetic location: 2p25.3.
Variant type: single nucleotide variant.
Coding change: c.817G>A on transcript NM_002936.6 (MANE Select); coding-DNA position 817, G replaced by A.
Protein change: p.Ala273Thr; replaces alanine 273 with threonine.
Molecular consequence: missense variant. On other transcripts: 3 prime UTR variant (1), non-coding transcript variant (7).
Genome position (GRCh38, 1-based): chr2:3,545,829, C>T on the plus strand (G>A on the coding strand, the complement: RNASEH1 is on the minus strand). VCF-style: chr2-3545829-C-T. GRCh37 (hg19) VCF-style: chr2-3593419-C-T.
Other names: c.739G>A, p.Ala247Thr (NM_001286834.3); c.466G>A, p.Ala156Thr (NM_001286837.3); c.*12G>A (NM_001378271.1); c.814G>A, p.Ala272Thr (NM_001378272.1); c.802G>A, p.Ala268Thr (NM_001378273.1); short protein forms A156T, A247T, A273T, A272T, A268T.
Identifiers: ClinVar variation 2130796 (VCV002130796.4), dbSNP rs2528017811, ClinGen allele CA345735704.